The following is an entry in ClinVar:

ClinVar aggregate classification (germline): Uncertain significance (1 of 4 stars; one submission).

Conditions:
Autosomal recessive cerebellar ataxia-saccadic intrusion syndrome. Also called: VPS13D Movement Disorder; SPINOCEREBELLAR ATAXIA 24. Identifiers: Orphanet 95434, MedGen C1846492, MONDO:0011811, OMIM 607317.

gnomAD v4.1: 2 of 1,614,212 alleles (0.00012%); highest among the groups gnomAD compares: Non-Finnish European, 0.00017%; no homozygotes.

Submission:

Molecular Genetics, Royal Melbourne Hospital
Classification: Uncertain significance for Autosomal recessive cerebellar ataxia-saccadic intrusion syndrome. Last evaluated: 2021-02-26. Review status: criteria provided, single submitter. Criteria: ACMG Guidelines, 2015. Collection method: clinical testing. Allele origin: germline.
Comment: This sequence change is predicted to replace threonine with serine at codon 1064 of the VPS13D protein (p.(Thr1064Ser)). The threonine residue is not conserved (100 vertebrates, UCSC), and is not located in a known functional domain. There is a small physicochemical difference between threonine and serine. The variant is absent in a large population cohort (gnomAD v2.1 and v3.1), and has not been reported in the relevant medical literature and databases. Multiple lines of computational evidence predict a benign effect for the missense substitution (3/3 algorithms). Based on the classification scheme RMH Modified ACMG Guidelines v1.3.1, this variant is classified as a VARIANT OF UNCERTAIN SIGNIFICANCE. Following criteria are met: PM2_Supporting, BP4.

NM_015378.4(VPS13D):c.3190A>T (p.Thr1064Ser)

Gene: VPS13D (vacuolar protein sorting 13 homolog D; plus strand). Cytogenetic location: 1p36.22.
Variant type: single nucleotide variant.
Coding change: c.3190A>T on transcript NM_015378.4 (MANE Select); coding-DNA position 3190, A replaced by T.
Protein change: p.Thr1064Ser; replaces threonine 1064 with serine.
Molecular consequence: missense variant.
Genome position (GRCh38, 1-based): chr1:12,276,778, A>T. VCF-style: chr1-12276778-A-T. GRCh37 (hg19) VCF-style: chr1-12336835-A-T.
Other names: c.3190A>T, p.Thr1064Ser (NM_018156.4); short protein forms T1064S.
Identifiers: ClinVar variation 1678552 (VCV001678552.2), dbSNP rs151332868, ClinGen allele CA338473884.